The following is an entry in ClinVar:

NM_002878.4(RAD51D):c.134_144+15del

Genes: RAD51L3-RFFL (RAD51L3-RFFL readthrough; minus strand), RAD51D (RAD51 paralog D; minus strand). Cytogenetic location: 17q12.
Variant type: Deletion.
Coding change: c.134_144+15del on transcript NM_002878.4 (MANE Select); coding-DNA position 134 through 15 bases into the intron after coding-DNA position 144, 26 bases deleted (TGTCTTACAAGGTGAGCTCCTGATCT).
Molecular consequence: splice donor variant.
Genome position (GRCh38, 1-based): chr17:35,119,096-35,119,121, AGATCAGGAGCTCACCTTGTAAGACA deleted on the plus strand (TGTCTTACAAGGTGAGCTCCTGATCT on the coding strand, the reverse complement: RAD51D is on the minus strand); deleting any 26 consecutive bases within chr17:35,119,096-35,119,123 gives the same sequence; the c. name uses the placement nearest the transcript's 3' end. VCF-style (leftmost placement, unchanged base first): chr17-35119095-GAGATCAGGAGCTCACCTTGTAAGACA-G. GRCh37 (hg19) VCF-style: chr17-33446114-GAGATCAGGAGCTCACCTTGTAAGACA-G.
Other names: c.134_144+15del (NM_133629.3, NM_001142571.2).
Identifiers: ClinVar variation 2448051 (VCV002448051.2), dbSNP rs2509185002, ClinGen allele CA2580093240.
Genomic context (GRCh38, chr17:35,119,095, plus strand): 5'-CCACCGCGCCCAGCTGGCTTGGGATGGACTTTTTAAAAAGACACTCAGGTTTGGAATGTG[GAGATCAGGAGCTCACCTTGTAAGACA>G]AGCCACATTTCTGAGCTACCTCTTCCAGGTCTGCAGAAACCAGGTCCACCACTGAAAACA-3'

ClinVar aggregate classification (germline): Likely pathogenic (1 of 4 stars; one submission).

Conditions:
Hereditary cancer-predisposing syndrome. Also called: Neoplastic Syndromes, Hereditary; Hereditary Cancer Syndrome; Tumor predisposition; Hereditary neoplastic syndrome. Identifiers: Orphanet 140162, MedGen C0027672, MeSH D009386, MONDO:0015356.

Submission:

Ambry Genetics
Classification: Likely pathogenic for Hereditary cancer-predisposing syndrome. Last evaluated: 2023-01-27. Review status: criteria provided, single submitter. Criteria: Ambry Variant Classification Scheme 2023. Collection method: clinical testing. Allele origin: germline.
Comment: The c.134_144+15del26 variant results from a deletion of 26 nucleotides between positions 134 and 144+15 and involves the canonical splice donor site after coding exon 2 of the RAD51D gene. This variant is considered to be rare based on population cohorts in the Genome Aggregation Database (gnomAD). The canonical splice donor site is highly conserved in available vertebrate species. In silico splice site analysis predicts that this alteration will weaken the native splice donor site; however, direct evidence is insufficient at this time (Ambry internal data). Alterations that disrupt the canonical splice site are expected to cause aberrant splicing, resulting in an abnormal protein or a transcript that is subject to nonsense-mediated mRNA decay. As such, this alteration is classified as likely pathogenic.